The following is an entry in ClinVar:

ClinVar aggregate classification (germline): Uncertain significance (1 of 4 stars; one submission).

Conditions:
Fanconi anemia (FA). Also called: Fanconi's anemia. Identifiers: Orphanet 84, MedGen C0015625, MeSH D005199, MONDO:0019391.

gnomAD v4.1: 3 of 1,614,072 alleles (0.00019%); highest among the groups gnomAD compares: East Asian, 0.0022%; no homozygotes.

Submission:

Labcorp Genetics (formerly Invitae), Labcorp
Classification: Uncertain significance for Fanconi anemia. Last evaluated: 2024-09-24. Review status: criteria provided, single submitter. Criteria: Invitae Variant Classification Sherloc (09022015). Collection method: clinical testing. Allele origin: germline.
Comment: This sequence change replaces valine, which is neutral and non-polar, with isoleucine, which is neutral and non-polar, at codon 150 of the FANCI protein (p.Val150Ile). This variant is present in population databases (no rsID available, gnomAD 0.007%). This variant has not been reported in the literature in individuals affected with FANCI-related conditions. An algorithm developed to predict the effect of missense changes on protein structure and function (PolyPhen-2) suggests that this variant is likely to be tolerated. In summary, the available evidence is currently insufficient to determine the role of this variant in disease. Therefore, it has been classified as a Variant of Uncertain Significance.

NM_001113378.2(FANCI):c.448G>A (p.Val150Ile)

Gene: FANCI (FA complementation group I; plus strand). Cytogenetic location: 15q26.1.
Variant type: single nucleotide variant.
Coding change: c.448G>A on transcript NM_001113378.2 (MANE Select); coding-DNA position 448, G replaced by A.
Protein change: p.Val150Ile; replaces valine 150 with isoleucine.
Molecular consequence: missense variant.
Genome position (GRCh38, 1-based): chr15:89,261,823, G>A. VCF-style: chr15-89261823-G-A. GRCh37 (hg19) VCF-style: chr15-89805054-G-A.
Other names: c.169G>A, p.Val57Ile (NM_001376910.1); c.448G>A, p.Val150Ile (NM_001376911.1, NM_018193.3); short protein forms V150I, V57I.
Identifiers: ClinVar variation 3665242 (VCV003665242.2).